The following is an entry in ClinVar:

NM_004356.4(CD81):c.544A>C (p.Ile182Leu)

Gene: CD81 (CD81 molecule; plus strand). Cytogenetic location: 11p15.5.
Variant type: single nucleotide variant.
Coding change: c.544A>C on transcript NM_004356.4 (MANE Select); coding-DNA position 544, A replaced by C.
Protein change: p.Ile182Leu; replaces isoleucine 182 with leucine.
Molecular consequence: missense variant.
Genome position (GRCh38, 1-based): chr11:2,395,953, A>C. VCF-style: chr11-2395953-A-C. GRCh37 (hg19) VCF-style: chr11-2417183-A-C.
Other names: c.331A>C, p.Ile111Leu (NM_001297649.2); short protein forms I111L, I182L.
Identifiers: ClinVar variation 1719514 (VCV001719514.5), dbSNP rs1849992331, ClinGen allele CA379124916.

ClinVar aggregate classification (germline): Uncertain significance (1 of 4 stars; one submission).

Submission:

Labcorp Genetics (formerly Invitae), Labcorp
Classification: Uncertain significance. Last evaluated: 2022-11-28. Review status: criteria provided, single submitter. Criteria: Invitae Variant Classification Sherloc (09022015). Collection method: clinical testing. Allele origin: germline.
Comment: This sequence change replaces isoleucine, which is neutral and non-polar, with leucine, which is neutral and non-polar, at codon 182 of the CD81 protein (p.Ile182Leu). This variant is not present in population databases (gnomAD no frequency). This variant has not been reported in the literature in individuals affected with CD81-related conditions. Algorithms developed to predict the effect of missense changes on protein structure and function output the following: SIFT: "Tolerated"; PolyPhen-2: "Benign"; Align-GVGD: "Class C0". The leucine amino acid residue is found in multiple mammalian species, which suggests that this missense change does not adversely affect protein function. In summary, the available evidence is currently insufficient to determine the role of this variant in disease. Therefore, it has been classified as a Variant of Uncertain Significance.